The following is an entry in ClinVar:

NM_001330078.2(NRXN1):c.88G>A (p.Gly30Arg)

Gene: NRXN1 (neurexin 1; minus strand). Cytogenetic location: 2p16.3.
Variant type: single nucleotide variant.
Coding change: c.88G>A on transcript NM_001330078.2 (MANE Select); coding-DNA position 88, G replaced by A.
Protein change: p.Gly30Arg; replaces glycine 30 with arginine.
Molecular consequence: missense variant.
Genome position (GRCh38, 1-based): chr2:51,028,186, C>T on the plus strand (G>A on the coding strand, the complement: NRXN1 is on the minus strand). VCF-style: chr2-51028186-C-T. GRCh37 (hg19) VCF-style: chr2-51255324-C-T.
Other names: c.88G>A, p.Gly30Arg (NM_001135659.3, NM_001330077.2, NM_001330079.2 and 15 more transcripts); short protein forms G30R.
Identifiers: ClinVar variation 1059800 (VCV001059800.9), dbSNP rs752126111, ClinGen allele CA346824739.

ClinVar aggregate classification (germline): Uncertain significance (1 of 4 stars; one submission).

Conditions:
Pitt-Hopkins-like syndrome 2 (PTHSL2). Identifiers: Orphanet 221150, Orphanet 600663, MedGen C3280479, MONDO:0013690, OMIM 614325.

gnomAD v4.1: 2 of 1,506,134 alleles (0.00013%); highest among the groups gnomAD compares: South Asian, 0.0013%; no homozygotes.

Submission:

Labcorp Genetics (formerly Invitae), Labcorp
Classification: Uncertain significance for Pitt-Hopkins-like syndrome 2. Last evaluated: 2020-09-18. Review status: criteria provided, single submitter. Criteria: Invitae Variant Classification Sherloc (09022015). Collection method: clinical testing. Allele origin: germline.
Comment: The frequency data for this variant in the population databases is considered unreliable, as metrics indicate insufficient coverage at this position in the ExAC database. In summary, the available evidence is currently insufficient to determine the role of this variant in disease. Therefore, it has been classified as a Variant of Uncertain Significance. Algorithms developed to predict the effect of missense changes on protein structure and function are either unavailable or do not agree on the potential impact of this missense change (SIFT: "Deleterious"; PolyPhen-2: "Possibly Damaging"; Align-GVGD: "Class C15"). This variant has not been reported in the literature in individuals with NRXN1-related conditions. This sequence change replaces glycine with arginine at codon 30 of the NRXN1 protein (p.Gly30Arg). The glycine residue is highly conserved and there is a moderate physicochemical difference between glycine and arginine.